The following is an entry in ClinVar:

NM_000548.5(TSC2):c.1257+9C>G

Gene: TSC2 (TSC complex subunit 2; plus strand). Cytogenetic location: 16p13.3.
Variant type: single nucleotide variant.
Coding change: c.1257+9C>G on transcript NM_000548.5 (MANE Select); 9 bases into the intron after coding-DNA position 1257, C replaced by G.
Molecular consequence: intron variant.
Genome position (GRCh38, 1-based): chr16:2,062,017, C>G. VCF-style: chr16-2062017-C-G. GRCh37 (hg19) VCF-style: chr16-2112018-C-G.
Other names: c.-88+9C>G (NM_001406693.1, NM_001406689.1, NM_001406690.1 and 4 more transcripts); c.1347+9C>G (NM_001406667.1, NM_001406668.1); c.657+9C>G (NM_001406680.1, NM_001406683.1, NM_001406687.1 and 6 more transcripts); c.-264+9C>G (NM_001406698.1); c.1257+9C>G (NM_001114382.3, NM_001406663.1, NM_001406664.1 and 7 more transcripts); c.-56+9C>G (NM_001406694.1, NM_001406695.1); c.1245+9C>G (NM_001406671.1, NM_001406673.1); c.795+9C>G (NM_001406681.1); and 4 more.
Identifiers: ClinVar variation 2917557 (VCV002917557.5), dbSNP rs1166139497, ClinGen allele CA2631117667.
Genomic context (GRCh38, chr16:2,062,017, plus strand): 5'-GTCTCAGGAGAGATACTTTGAACTGGTGGAGAGATGTGCGGACCAGAGGCCTGTGAGACC[C>G]CCTCCTGGGTGGGGCCTTTGGGCTTTGGCTGGTGGGGAGGGGCCGGGTGCTGGGTGAAGT-3'

ClinVar aggregate classification (germline): Conflicting classifications of pathogenicity. Review status: criteria provided, conflicting classifications (1 of 4 stars). 3 submissions from 3 submitters: Uncertain significance (2); Likely benign (1). Last evaluated 2025-05-13.

Conditions:
Tuberous sclerosis 2 (TSC2). Identifiers: Orphanet 805, MedGen C1860707, MONDO:0013199, OMIM 613254.

gnomAD v4.1: 1 of 1,613,988 alleles (0.000062%); highest among the groups gnomAD compares: Admixed American, 0.0017%; no homozygotes.

Submissions (3):

Myriad Genetics, Inc.
Classification: Likely benign for Tuberous sclerosis 2. Last evaluated: 2025-05-13. Review status: criteria provided, single submitter. Criteria: Myriad Autosomal Dominant, Autosomal Recessive and X-Linked Classification Criteria (2023). Collection method: clinical testing. Allele origin: unknown.
Comment: This variant is considered likely benign. This variant is intronic and is not expected to impact mRNA splicing.

Quest Diagnostics Nichols Institute San Juan Capistrano
Classification: Uncertain significance. Last evaluated: 2025-02-19. Review status: criteria provided, single submitter. Criteria: Quest Diagnostics criteria. Collection method: clinical testing. Allele origin: unknown.

Labcorp Genetics (formerly Invitae), Labcorp
Classification: Uncertain significance for Tuberous sclerosis 2. Last evaluated: 2023-09-26. Review status: criteria provided, single submitter. Criteria: Invitae Variant Classification Sherloc (09022015). Collection method: clinical testing. Allele origin: germline.
Comment: This sequence change falls in intron 12 of the TSC2 gene. It does not directly change the encoded amino acid sequence of the TSC2 protein. This variant is not present in population databases (gnomAD no frequency). This variant has not been reported in the literature in individuals affected with TSC2-related conditions. Algorithms developed to predict the effect of sequence changes on RNA splicing suggest that this variant may create or strengthen a splice site. In summary, the available evidence is currently insufficient to determine the role of this variant in disease. Therefore, it has been classified as a Variant of Uncertain Significance.